The following is an entry in ClinVar:

NM_020639.3(RIPK4):c.*715A>G

Gene: RIPK4 (receptor interacting serine/threonine kinase 4; minus strand). Cytogenetic location: 21q22.3.
Variant type: single nucleotide variant.
Coding change: c.*715A>G on transcript NM_020639.3 (MANE Select); 715 bases downstream of the stop codon, A replaced by G.
Molecular consequence: 3 prime UTR variant.
Genome position (GRCh38, 1-based): chr21:41,740,123, T>C on the plus strand (A>G on the coding strand, the complement: RIPK4 is on the minus strand). VCF-style: chr21-41740123-T-C. GRCh37 (hg19) VCF-style: chr21-43160283-T-C.
Identifiers: ClinVar variation 339996 (VCV000339996.5), dbSNP rs77257940, ClinGen allele CA10650506.

ClinVar aggregate classification (germline): Likely benign (1 of 4 stars; one submission).

Conditions:
Bartsocas-Papas syndrome 1. Also called: Bartsocas-Papas syndrome; MULTIPLE PTERYGIUM SYNDROME, ASLAN TYPE; PTERYGIUM, POPLITEAL, LETHAL TYPE. Identifiers: Orphanet 1234, MedGen C1849718, MONDO:0009901, OMIM 263650.

Allele frequency attached by ClinVar (database versions not stated): 1000 Genomes Project 30x 0.00500; gnomAD 0.00513; 1000 Genomes Project 0.00519; TOPMed 0.00533.

Submission:

Illumina Laboratory Services, Illumina
Classification: Likely benign for Bartsocas-Papas syndrome 1. Last evaluated: 2018-01-12. Review status: criteria provided, single submitter. Criteria: ICSL Variant Classification Criteria 13 December 2019. Collection method: clinical testing. Allele origin: germline.
Comment: This variant was observed in the ICSL laboratory as part of a predisposition screen in an ostensibly healthy population. It had not been previously curated by ICSL or reported in the Human Gene Mutation Database (HGMD: prior to June 1st, 2018), and was therefore a candidate for classification through an automated scoring system. Utilizing variant allele frequency, disease prevalence and penetrance estimates, and inheritance mode, an automated score was calculated to assess if this variant is too frequent to cause the disease. Based on the score and internal cut-off values, a variant classified as likely benign is not then subjected to further curation. The score for this variant resulted in a classification of likely benign for this disease.